The following is an entry in ClinVar:

NM_001447.3(FAT2):c.2534A>C (p.Lys845Thr)

Gene: FAT2 (FAT atypical cadherin 2; minus strand). Cytogenetic location: 5q33.1.
Variant type: single nucleotide variant.
Coding change: c.2534A>C on transcript NM_001447.3 (MANE Select); coding-DNA position 2534, A replaced by C.
Protein change: p.Lys845Thr; replaces lysine 845 with threonine.
Molecular consequence: missense variant.
Genome position (GRCh38, 1-based): chr5:151,566,398, T>G on the plus strand (A>C on the coding strand, the complement: FAT2 is on the minus strand). VCF-style: chr5-151566398-T-G. GRCh37 (hg19) VCF-style: chr5-150945959-T-G.
Other names: short protein forms K845T.
Identifiers: ClinVar variation 4534818 (VCV004534818.6).

ClinVar aggregate classification (germline): Uncertain significance (1 of 4 stars; one submission).

Submission:

CeGaT Center for Human Genetics Tuebingen
Classification: Uncertain significance. Last evaluated: 2025-09-01. Review status: criteria provided, single submitter. Criteria: CeGaT Center For Human Genetics Tuebingen Variant Classification Criteria Version 2. Collection method: clinical testing. Allele origin: germline. Affected: yes. Observed: 1 variant allele.
Comment: FAT2: PM2, PP2, BP4